The following is an entry in ClinVar:

ClinVar aggregate classification (germline): Uncertain significance. Review status: criteria provided, multiple submitters, no conflicts (2 of 4 stars). 2 submissions from 2 submitters: Uncertain significance (2). Last evaluated 2024-07-03.

Conditions:
Cystinuria (CSNU). Also called: CYSTINURIA, TYPE I; CYSTINURIA, TYPE II; CYSTINURIA, TYPE III; Cystinuria, non-type I. Identifiers: Orphanet 214, MedGen C0010691, MONDO:0009067, OMIM 220100, HP:0003131.

gnomAD v4.1: 61 of 1,613,868 alleles (0.0038%); highest among the groups gnomAD compares: Non-Finnish European, 0.0051%; no homozygotes.

Submissions (2):

Labcorp Genetics (formerly Invitae), Labcorp
Classification: Uncertain significance. Last evaluated: 2024-07-03. Review status: criteria provided, single submitter. Criteria: Invitae Variant Classification Sherloc (09022015). Collection method: clinical testing. Allele origin: germline.
Comment: This sequence change replaces phenylalanine, which is neutral and non-polar, with serine, which is neutral and polar, at codon 161 of the SLC7A9 protein (p.Phe161Ser). This variant is present in population databases (rs773716775, gnomAD 0.002%). This variant has not been reported in the literature in individuals affected with SLC7A9-related conditions. Advanced modeling of protein sequence and biophysical properties (such as structural, functional, and spatial information, amino acid conservation, physicochemical variation, residue mobility, and thermodynamic stability) performed at Invitae indicates that this missense variant is not expected to disrupt SLC7A9 protein function with a negative predictive value of 80%. In summary, the available evidence is currently insufficient to determine the role of this variant in disease. Therefore, it has been classified as a Variant of Uncertain Significance.

Fulgent Genetics
Classification: Uncertain significance for Cystinuria. Last evaluated: 2024-06-10. Review status: criteria provided, single submitter. Criteria: ACMG Guidelines, 2015. Collection method: clinical testing. Allele origin: germline.

NM_014270.5(SLC7A9):c.482T>C (p.Phe161Ser)

Gene: SLC7A9 (solute carrier family 7 member 9; minus strand). Cytogenetic location: 19q13.11.
Variant type: single nucleotide variant.
Coding change: c.482T>C on transcript NM_014270.5 (MANE Select); coding-DNA position 482, T replaced by C.
Protein change: p.Phe161Ser; replaces phenylalanine 161 with serine.
Molecular consequence: missense variant.
Genome position (GRCh38, 1-based): chr19:32,862,583, A>G on the plus strand (T>C on the coding strand, the complement: SLC7A9 is on the minus strand). VCF-style: chr19-32862583-A-G. GRCh37 (hg19) VCF-style: chr19-33353489-A-G.
Other names: c.482T>C, p.Phe161Ser (NM_001126335.2, NM_001243036.2); short protein forms F161S.
Identifiers: ClinVar variation 3583608 (VCV003583608.3).